The following is an entry in ClinVar:

NM_014236.4(GNPAT):c.747T>C (p.Ser249=)

Gene: GNPAT (glyceronephosphate O-acyltransferase; plus strand). Cytogenetic location: 1q42.2.
Variant type: single nucleotide variant.
Coding change: c.747T>C on transcript NM_014236.4 (MANE Select); coding-DNA position 747, T replaced by C.
Protein change: p.Ser249=; no amino-acid change (serine 249 retained).
Molecular consequence: synonymous variant.
Genome position (GRCh38, 1-based): chr1:231,265,762, T>C. VCF-style: chr1-231265762-T-C. GRCh37 (hg19) VCF-style: chr1-231401508-T-C.
Other names: c.564T>C, p.Ser188= (NM_001316350.2).
Identifiers: ClinVar variation 727943 (VCV000727943.37), dbSNP rs202033127, ClinGen allele CA1451875.
Genomic context (GRCh38, chr1:231,265,762, plus strand): 5'-CTCTTTAAAGAATGGTTATGCTCCTGTTGAATTTTTCCTCGAAGGGACAAGAAGCCGCTC[T>C]GCCAAGACATTGACTCCTAAATTTGGTAGGTCACTACAGATTAAAAGGAAAAATACAAAC-3'
Protein context (NP_055051.1, residues 239-259): EFFLEGTRSR[Ser249=]AKTLTPKFGL

ClinVar aggregate classification (germline): Conflicting classifications of pathogenicity. Review status: criteria provided, conflicting classifications (1 of 4 stars). 4 submissions from 4 submitters: Uncertain significance (1); Likely benign (3). Last evaluated 2026-05-01.

Conditions:
Rhizomelic chondrodysplasia punctata type 2 (RCDP2). Also called: DHAPAT DEFICIENCY; Glyceronephosphate O-acyltransferase deficiency; DIHYDROXYACETONEPHOSPHATE ACYLTRANSFERASE DEFICIENCY; PEROXISOMAL DIHYDROXYACETONEPHOSPHATE ACYLTRANSFERASE DEFICIENCY; glyceronephosphate O-acyltransferase (GNPAT) deficiency; Chondrodysplasia punctata, rhizomelic, due to dihydroxyacetonephosphate acyltransferase deficiency. Identifiers: Orphanet 177, Orphanet 309796, MedGen C1857242, MONDO:0100273, OMIM 222765. Disease mechanism: loss of function.

Allele frequency attached by ClinVar (database versions not stated): TOPMed 0.00012; gnomAD 0.00013 and 0.00014; gnomAD exomes 0.00014; ExAC 0.00015; ESP Exome Variant Server 0.00023.
gnomAD v4.1: 214 of 1,602,928 alleles (0.013%); highest among the groups gnomAD compares: South Asian, 0.026%; no homozygotes.

Submissions (4):

CeGaT Center for Human Genetics Tuebingen
Classification: Likely benign. Last evaluated: 2026-05-01. Review status: criteria provided, single submitter. Criteria: CeGaT Center For Human Genetics Tuebingen Variant Classification Criteria Version 2. Collection method: clinical testing. Allele origin: germline. Affected: yes. Observed: 4 variant alleles.
Comment: GNPAT: BP4, BP7

Labcorp Genetics (formerly Invitae), Labcorp
Classification: Likely benign. Last evaluated: 2026-01-29. Review status: criteria provided, single submitter. Criteria: Invitae Variant Classification Sherloc (09022015). Collection method: clinical testing. Allele origin: germline.

Blueprint Genetics
Classification: Likely benign. Last evaluated: 2024-10-15. Review status: criteria provided, single submitter. Criteria: ACMG Guidelines, 2015. Collection method: clinical testing. Allele origin: germline.

Illumina Laboratory Services, Illumina
Classification: Uncertain significance for Rhizomelic chondrodysplasia punctata type 2. Last evaluated: 2018-01-13. Review status: criteria provided, single submitter. Criteria: ICSL Variant Classification Criteria 13 December 2019. Collection method: clinical testing. Allele origin: germline.